The following is an entry in ClinVar:

NM_002805.6(PSMC5):c.23A>G (p.Gln8Arg)

Genes: FTSJ3 (FtsJ RNA 2'-O-methyltransferase 3; minus strand), PSMC5 (proteasome 26S subunit, ATPase 5; plus strand), LOC126862615 (BRD4-independent group 4 enhancer GRCh37_chr17:61904136-61905335; plus strand). Cytogenetic location: 17q23.3.
Variant type: single nucleotide variant.
Coding change: c.23A>G on transcript NM_002805.6 (MANE Select); coding-DNA position 23, A replaced by G.
Protein change: p.Gln8Arg; replaces glutamine 8 with arginine.
Molecular consequence: missense variant. On other transcripts: 5 prime UTR variant (1).
Genome position (GRCh38, 1-based): chr17:63,827,513, A>G. VCF-style: chr17-63827513-A-G. GRCh37 (hg19) VCF-style: chr17-61904873-A-G.
Other names: c.-488T>C (NM_017647.4); short protein forms Q8R.
Identifiers: ClinVar variation 4573303 (VCV004573303.3).
Genomic context (GRCh38, chr17:63,827,513, plus strand): 5'-ACGGCTCGGATGCCGGCGGTCTCTGCTGAAGAGAGAAGATGGCGCTTGACGGACCAGAGC[A>G]GGTATGGCGGGTGCAGTGGCGGCCCGGCAGGTTACGGGGCTGGGTGCGGAGCGAGCGTGA-3'
Protein context (NP_002796.4, residues 1-18): MALDGPE[Gln8Arg]MELEEGKAGS

ClinVar aggregate classification (germline): Uncertain significance. Review status: criteria provided, multiple submitters, no conflicts (2 of 4 stars). 2 submissions from 2 submitters: Uncertain significance (2). Last evaluated 2026-01-29.

gnomAD v4.1: 6 of 1,551,630 alleles (0.00039%); highest among the groups gnomAD compares: African/African-American, 0.0082%; no homozygotes.

Submissions (2):

Dasa
Classification: Uncertain significance. Last evaluated: 2026-01-29. Review status: criteria provided, single submitter. Criteria: DASA Assertion Criteria. Collection method: clinical testing. Allele origin: germline.
Comment: NM_002805.6(PSMC5):c.23A>G (p.Gln8Arg) is a missense variant that results in the substitution of glutamine with arginine. This variant is rare in population databases. Computational prediction algorithms are consistent with a deleterious effect. The currently available literature and clinical evidence are not sufficient to establish a definitive association between this variant and the reported condition. Therefore, this variant is classified as a variant of uncertain significance.

Ambry Genetics
Classification: Uncertain significance. Last evaluated: 2025-10-29. Review status: criteria provided, single submitter. Criteria: Ambry Variant Classification Scheme 2023. Collection method: clinical testing. Allele origin: germline.
Comment: The c.23A>G (p.Q8R) alteration is located in exon 1 (coding exon 1) of the PSMC5 gene. This alteration results from a A to G substitution at nucleotide position 23, causing the glutamine (Q) at amino acid position 8 to be replaced by an arginine (R). Based on data from gnomAD, the G allele has an overall frequency of 0.003% (1/31404) total alleles studied. The highest observed frequency was 0.012% (1/8712) of African alleles. Based on insufficient or conflicting evidence, the clinical significance of this alteration remains unclear.